The following is an entry in ClinVar:

NM_002661.5(PLCG2):c.1534A>T (p.Thr512Ser)

Gene: PLCG2 (phospholipase C gamma 2; plus strand). Cytogenetic location: 16q23.3.
Variant type: single nucleotide variant.
Coding change: c.1534A>T on transcript NM_002661.5 (MANE Select); coding-DNA position 1534, A replaced by T.
Protein change: p.Thr512Ser; replaces threonine 512 with serine.
Molecular consequence: missense variant.
Genome position (GRCh38, 1-based): chr16:81,907,751, A>T. VCF-style: chr16-81907751-A-T. GRCh37 (hg19) VCF-style: chr16-81941356-A-T.
Other names: c.1534A>T, p.Thr512Ser (NM_001425749.1, NM_001425750.1, NM_001425751.1); short protein forms T512S.
Identifiers: ClinVar variation 2873920 (VCV002873920.3), dbSNP rs2507665704, ClinGen allele CA396899981.
Genomic context (GRCh38, chr16:81,907,751, plus strand): 5'-ACTCGGCACTACTGCGCCATTGCCGATGCCAAGCTGTCCTTCAGTGATGACATTGAACAG[A>T]CTATGGAGGAGGAAGTGCCCCAGGTAGGGGGACACCCTAGCCACATAGGGAGGAGGTCCC-3'
Protein context (NP_002652.2, residues 502-522): KLSFSDDIEQ[Thr512Ser]MEEEVPQDIP

ClinVar aggregate classification (germline): Uncertain significance (1 of 4 stars; one submission).

Conditions:
Familial cold autoinflammatory syndrome 3 (FCAS3). Also called: FAMILIAL ATYPICAL COLD URTICARIA; ANTIBODY DEFICIENCY AND IMMUNE DYSREGULATION, PLCG2-ASSOCIATED. Identifiers: Orphanet 300359, MedGen C3280914, MONDO:0013766, OMIM 614468.

Submission:

Labcorp Genetics (formerly Invitae), Labcorp
Classification: Uncertain significance for Familial cold autoinflammatory syndrome 3. Last evaluated: 2022-12-12. Review status: criteria provided, single submitter. Criteria: Invitae Variant Classification Sherloc (09022015). Collection method: clinical testing. Allele origin: germline.
Comment: In summary, the available evidence is currently insufficient to determine the role of this variant in disease. Therefore, it has been classified as a Variant of Uncertain Significance. Algorithms developed to predict the effect of missense changes on protein structure and function output the following: SIFT: "Tolerated"; PolyPhen-2: "Benign"; Align-GVGD: "Class C0". The serine amino acid residue is found in multiple mammalian species, which suggests that this missense change does not adversely affect protein function. This variant has not been reported in the literature in individuals affected with PLCG2-related conditions. This variant is not present in population databases (gnomAD no frequency). This sequence change replaces threonine, which is neutral and polar, with serine, which is neutral and polar, at codon 512 of the PLCG2 protein (p.Thr512Ser).